The following is an entry in ClinVar:

NM_000222.3(KIT):c.30dup (p.Leu11fs)

Gene: KIT (KIT proto-oncogene, receptor tyrosine kinase; plus strand). Cytogenetic location: 4q12.
Variant type: Duplication.
Coding change: c.30dup on transcript NM_000222.3 (MANE Select); coding-DNA position 30, one base duplicated (T; older notation c.30dupT).
Protein change: p.Leu11fs; shifts the reading frame from leucine 11.
Molecular consequence: frameshift variant.
Genome position (GRCh38, 1-based): chr4:54,658,044, T duplicated; the last of 4 consecutive T bases (chr4:54,658,041-54,658,044); duplicating any one gives the same sequence. VCF-style (leftmost placement, unchanged base first): chr4-54658040-A-AT. GRCh37 (hg19) VCF-style: chr4-55524207-A-AT.
Other names: c.30dup, p.Leu11fs (NM_001093772.2, NM_001385284.1, NM_001385285.1 and 4 more transcripts); c.30dupT (NM_000222.2); short protein forms L11fs.
Identifiers: ClinVar variation 3720577 (VCV003720577.2).

ClinVar aggregate classification (germline): Conflicting classifications of pathogenicity. Review status: criteria provided, conflicting classifications (1 of 4 stars). 2 submissions from 2 submitters: Pathogenic (1); Likely benign (1). Last evaluated 2025-10-09.

Conditions:
Hereditary cancer-predisposing syndrome. Also called: Neoplastic Syndromes, Hereditary; Tumor predisposition; Hereditary Cancer Syndrome; Hereditary neoplastic syndrome. Identifiers: Orphanet 140162, MedGen C0027672, MeSH D009386, MONDO:0015356.
Gastrointestinal stromal tumor. Also called: Gastrointestinal stromal tumor, somatic; Gastrointestinal stroma tumor. Identifiers: Orphanet 44890, MedGen C0238198, MeSH D046152, MONDO:0011719, OMIM 606764, HP:0100723.

Submissions (2):

Ambry Genetics
Classification: Likely benign for Hereditary cancer-predisposing syndrome. Last evaluated: 2025-10-09. Review status: criteria provided, single submitter. Criteria: Ambry Variant Classification Scheme 2023. Collection method: clinical testing. Allele origin: germline.

Labcorp Genetics (formerly Invitae), Labcorp
Classification: Pathogenic for Gastrointestinal stromal tumor. Last evaluated: 2024-03-25. Review status: criteria provided, single submitter. Criteria: Invitae Variant Classification Sherloc (09022015). Collection method: clinical testing. Allele origin: germline.
Comment: This sequence change creates a premature translational stop signal (p.Leu11Serfs*45) in the KIT gene. It is expected to result in an absent or disrupted protein product. Loss-of-function variants in KIT are known to be pathogenic (PMID: 15194144). This variant is not present in population databases (gnomAD no frequency). This premature translational stop signal has been observed in individual(s) with KIT-related condition (PMID: 17124503). For these reasons, this variant has been classified as Pathogenic.

Literature cited by the submitters: PubMed 15194144 (cited by Labcorp Genetics (formerly Invitae), Labcorp); PubMed 17124503 (cited by Labcorp Genetics (formerly Invitae), Labcorp).